The following is an entry in ClinVar:

ClinVar aggregate classification (germline): Uncertain significance (1 of 4 stars; one submission).

Submission:

GeneDx
Classification: Uncertain significance. Last evaluated: 2022-05-27. Review status: criteria provided, single submitter. Criteria: GeneDx Variant Classification Process June 2021. Collection method: clinical testing. Allele origin: germline. Affected: yes.
Comment: Not observed at significant frequency in large population cohorts (gnomAD); In silico analysis supports that this missense variant has a deleterious effect on protein structure/function; Has not been previously published as pathogenic or benign to our knowledge

NM_004958.4(MTOR):c.2664A>T (p.Leu888Phe)

Gene: MTOR (mechanistic target of rapamycin kinase; minus strand). Cytogenetic location: 1p36.22.
Variant type: single nucleotide variant.
Coding change: c.2664A>T on transcript NM_004958.4 (MANE Select); coding-DNA position 2664, A replaced by T.
Protein change: p.Leu888Phe; replaces leucine 888 with phenylalanine.
Molecular consequence: missense variant.
Genome position (GRCh38, 1-based): chr1:11,231,040, T>A on the plus strand (A>T on the coding strand, the complement: MTOR is on the minus strand). VCF-style: chr1-11231040-T-A. GRCh37 (hg19) VCF-style: chr1-11291097-T-A.
Other names: c.2664A>T, p.Leu888Phe (NM_001386500.1); c.1416A>T, p.Leu472Phe (NM_001386501.1); short protein forms L472F, L888F.
Identifiers: ClinVar variation 1801131 (VCV001801131.1), dbSNP rs2523257971, ClinGen allele CA338381394.